The following is an entry in ClinVar:

NM_001110556.2(FLNA):c.4981G>A (p.Gly1661Ser)

Gene: FLNA (filamin A; minus strand). Cytogenetic location: Xq28.
Variant type: single nucleotide variant.
Coding change: c.4981G>A on transcript NM_001110556.2 (MANE Select); coding-DNA position 4981, G replaced by A.
Protein change: p.Gly1661Ser; replaces glycine 1661 with serine.
Molecular consequence: missense variant.
Genome position (GRCh38, 1-based): chrX:154,355,061, C>T on the plus strand (G>A on the coding strand, the complement: FLNA is on the minus strand). VCF-style: chrX-154355061-C-T. GRCh37 (hg19) VCF-style: chrX-153583429-C-T.
Other names: p.Gly1653Ser; c.4957G>A, p.Gly1653Ser (NM_001456.4); short protein forms G1653S, G1661S.
Identifiers: ClinVar variation 1194596 (VCV001194596.9), dbSNP rs1402204338, ClinGen allele CA415208574.

ClinVar aggregate classification (germline): Conflicting classifications of pathogenicity. Review status: criteria provided, conflicting classifications (1 of 4 stars). 4 submissions from 4 submitters: Uncertain significance (2); Benign (1); Likely benign (1). Last evaluated 2026-02-01.

Conditions:
Heterotopia, periventricular, X-linked dominant (PVNH1). Also called: PERIVENTRICULAR NODULAR HETEROTOPIA 1; X-linked periventricular heterotopia; PERIVENTRICULAR NODULAR HETEROTOPIA 4; HETEROTOPIA, PERIVENTRICULAR, 1. Identifiers: Orphanet 2149, Orphanet 82004, MedGen C1848213, MONDO:0010233, OMIM 300049.
Melnick-Needles syndrome (MNS). Also called: MELNICK-NEEDLES OSTEODYSPLASTY; OSTEODYSPLASTY OF MELNICK AND NEEDLES; Melnick-Needles Syndrome (FLNA-MNS). Identifiers: Orphanet 2484, MedGen C0025237, MONDO:0010650, OMIM 309350.
Frontometaphyseal dysplasia (FMD1). Identifiers: Orphanet 1826, MedGen C0265293, MONDO:0015942.
Oto-palato-digital syndrome, type II (OPD2). Also called: FACIOPALATOOSSEOUS SYNDROME; OPD II SYNDROME; Otopalatodigital Syndrome Type 2 (FLNA-OPD2); Otopalatodigital Syndrome, Type II. Identifiers: Orphanet 669, Orphanet 90652, MedGen C1844696, MONDO:0010571, OMIM 304120.
Familial thoracic aortic aneurysm and aortic dissection (TAAD). Also called: Thoracic aortic aneurysms and dissections. Identifiers: Orphanet 91387, MedGen C4707243, MONDO:0019625.

Allele frequency attached by ClinVar (database versions not stated): gnomAD exomes 0.00001; TOPMed 0.00002; gnomAD 0.00004.
gnomAD v4.1: 12 of 1,204,455 alleles (0.001%); highest among the groups gnomAD compares: African/African-American, 0.0017%; no homozygotes.

Submissions (4):

Labcorp Genetics (formerly Invitae), Labcorp
Classification: Benign for Oto-palato-digital syndrome, type II; Heterotopia, periventricular, X-linked dominant; Frontometaphyseal dysplasia; Melnick-Needles syndrome. Last evaluated: 2026-02-01. Review status: criteria provided, single submitter. Criteria: Invitae Variant Classification Sherloc (09022015). Collection method: clinical testing. Allele origin: germline.

Mayo Clinic Laboratories, Mayo Clinic
Classification: Uncertain significance. Last evaluated: 2025-07-03. Review status: criteria provided, single submitter. Criteria: ACMG Guidelines, 2015. Collection method: clinical testing. Allele origin: germline. Observed: 1 variant allele.
Comment: BS2, PP2, PP3

Ambry Genetics
Classification: Uncertain significance for Familial thoracic aortic aneurysm and aortic dissection. Last evaluated: 2025-02-18. Review status: criteria provided, single submitter. Criteria: Ambry Variant Classification Scheme 2023. Collection method: clinical testing. Allele origin: germline.
Comment: The p.G1653S variant (also known as c.4957G>A), located in coding exon 29 of the FLNA gene, results from a G to A substitution at nucleotide position 4957. The glycine at codon 1653 is replaced by serine, an amino acid with similar properties. This amino acid position is well conserved in available vertebrate species. In addition, the in silico prediction for this alteration is inconclusive. Based on data from gnomAD, the A allele has an overall frequency of 0.0015% (3/200574) total alleles studied, with 1 hemizygote(s) observed. The highest observed frequency was 0.0055% (1/18241) of African/African American alleles. Based on the available evidence, the clinical significance of this variant remains unclear.

GeneDx
Classification: Likely benign. Last evaluated: 2019-07-24. Review status: criteria provided, single submitter. Criteria: GeneDx Variant Classification Process June 2021. Collection method: clinical testing. Allele origin: germline. Affected: yes.
Comment: In silico analysis, which includes protein predictors and evolutionary conservation, supports a deleterious effect; Has not been previously published as pathogenic or benign to our knowledge

Literature cited by the submitters: PubMed 35571021 (cited by Mayo Clinic Laboratories, Mayo Clinic).